The following is an entry in ClinVar:

NM_005251.3(FOXC2):c.993C>T (p.Cys331=)

Gene: FOXC2 (forkhead box C2; plus strand). Cytogenetic location: 16q24.1.
Variant type: single nucleotide variant.
Coding change: c.993C>T on transcript NM_005251.3 (MANE Select); coding-DNA position 993, C replaced by T.
Protein change: p.Cys331=; no amino-acid change (cysteine 331 retained).
Molecular consequence: synonymous variant.
Genome position (GRCh38, 1-based): chr16:86,568,328, C>T. VCF-style: chr16-86568328-C-T. GRCh37 (hg19) VCF-style: chr16-86601934-C-T.
Identifiers: ClinVar variation 4780357 (VCV004780357.1).

ClinVar aggregate classification (germline): Uncertain significance (1 of 4 stars; one submission).

Submission:

Labcorp Genetics (formerly Invitae), Labcorp
Classification: Uncertain significance. Last evaluated: 2025-08-28. Review status: criteria provided, single submitter. Criteria: Invitae Variant Classification Sherloc (09022015). Collection method: clinical testing. Allele origin: germline.
Comment: This sequence change affects codon 331 of the FOXC2 mRNA. It is a 'silent' change, meaning that it does not change the encoded amino acid sequence of the FOXC2 protein. This variant is not present in population databases (gnomAD no frequency). This variant has not been reported in the literature in individuals affected with FOXC2-related conditions. In summary, the available evidence is currently insufficient to determine the role of this variant in disease. Therefore, it has been classified as a Variant of Uncertain Significance.